The following is an entry in ClinVar:

ClinVar aggregate classification (germline): Uncertain significance (1 of 4 stars; one submission).

gnomAD v4.1: 1 of 1,614,216 alleles (0.000062%); highest among the groups gnomAD compares: Admixed American, 0.0017%; no homozygotes.

Submission:

Labcorp Genetics (formerly Invitae), Labcorp
Classification: Uncertain significance. Last evaluated: 2024-06-20. Review status: criteria provided, single submitter. Criteria: Invitae Variant Classification Sherloc (09022015). Collection method: clinical testing. Allele origin: germline.
Comment: This sequence change replaces arginine, which is basic and polar, with lysine, which is basic and polar, at codon 207 of the KRT6A protein (p.Arg207Lys). This variant is present in population databases (no rsID available, gnomAD 0.003%). This variant has not been reported in the literature in individuals affected with KRT6A-related conditions. Algorithms developed to predict the effect of missense changes on protein structure and function output the following: SIFT: "Not Available"; PolyPhen-2: "Benign"; Align-GVGD: "Not Available". The lysine amino acid residue is found in multiple mammalian species, which suggests that this missense change does not adversely affect protein function. In summary, the available evidence is currently insufficient to determine the role of this variant in disease. Therefore, it has been classified as a Variant of Uncertain Significance.

NM_005554.4(KRT6A):c.620G>A (p.Arg207Lys)

Gene: KRT6A (keratin 6A; minus strand). Cytogenetic location: 12q13.13.
Variant type: single nucleotide variant.
Coding change: c.620G>A on transcript NM_005554.4 (MANE Select); coding-DNA position 620, G replaced by A.
Protein change: p.Arg207Lys; replaces arginine 207 with lysine.
Molecular consequence: missense variant.
Genome position (GRCh38, 1-based): chr12:52,491,657, C>T on the plus strand (G>A on the coding strand, the complement: KRT6A is on the minus strand). VCF-style: chr12-52491657-C-T. GRCh37 (hg19) VCF-style: chr12-52885441-C-T.
Other names: short protein forms R207K.
Identifiers: ClinVar variation 3685722 (VCV003685722.2).